The following is an entry in ClinVar:

ClinVar aggregate classification (germline): Uncertain significance (1 of 4 stars; one submission).

Submission:

Ambry Genetics
Classification: Uncertain significance. Last evaluated: 2021-08-07. Review status: criteria provided, single submitter. Criteria: Ambry Variant Classification Scheme 2023. Collection method: clinical testing. Allele origin: germline.
Comment: The p.T159I variant (also known as c.476C>T), located in coding exon 1 of the TERF2IP gene, results from a C to T substitution at nucleotide position 476. The threonine at codon 159 is replaced by isoleucine, an amino acid with similar properties. This amino acid position is conserved. In addition, this alteration is predicted to be tolerated by in silico analysis. Since supporting evidence is limited at this time, the clinical significance of this alteration remains unclear.

NM_018975.4(TERF2IP):c.476C>T (p.Thr159Ile)

Gene: TERF2IP (TERF2 interacting protein; plus strand). Cytogenetic location: 16q23.1.
Variant type: single nucleotide variant.
Coding change: c.476C>T on transcript NM_018975.4 (MANE Select); coding-DNA position 476, C replaced by T.
Protein change: p.Thr159Ile; replaces threonine 159 with isoleucine.
Molecular consequence: missense variant. On other transcripts: non-coding transcript variant (1).
Genome position (GRCh38, 1-based): chr16:75,648,358, C>T. VCF-style: chr16-75648358-C-T. GRCh37 (hg19) VCF-style: chr16-75682256-C-T.
Other names: short protein forms T159I.
Identifiers: ClinVar variation 1742945 (VCV001742945.2), dbSNP rs2507074396, ClinGen allele CA396817984.
Genomic context (GRCh38, chr16:75,648,358, plus strand): 5'-CGGACGACGTAGCCATCCTTACCTACGTGAAGGAAAATGCCCGCTCGCCCAGCTCCGTCA[C>T]CGGTAACGCCTTGTGGAAAGCGATGGAGAAGAGCTCGCTCACGCAGCACTCGTGGCAGTC-3'
Protein context (NP_061848.2, residues 149-169): KENARSPSSV[Thr159Ile]GNALWKAMEK